The following is an entry in ClinVar:

NM_005219.5(DIAPH1):c.1642G>A (p.Val548Ile)

Gene: DIAPH1 (diaphanous related formin 1; minus strand). Cytogenetic location: 5q31.3.
Variant type: single nucleotide variant.
Coding change: c.1642G>A on transcript NM_005219.5 (MANE Select); coding-DNA position 1642, G replaced by A.
Protein change: p.Val548Ile; replaces valine 548 with isoleucine.
Molecular consequence: missense variant.
Genome position (GRCh38, 1-based): chr5:141,574,208, C>T on the plus strand (G>A on the coding strand, the complement: DIAPH1 is on the minus strand). VCF-style: chr5-141574208-C-T. GRCh37 (hg19) VCF-style: chr5-140953775-C-T.
Other names: c.1615G>A, p.Val539Ile (NM_001079812.3); c.1642G>A, p.Val548Ile (NM_001314007.2); short protein forms V539I, V548I.
Identifiers: ClinVar variation 2947615 (VCV002947615.3), dbSNP rs2099895620, ClinGen allele CA361522617.

ClinVar aggregate classification (germline): Uncertain significance (1 of 4 stars; one submission).

Conditions:
Progressive microcephaly-seizures-cortical blindness-developmental delay syndrome. Also called: Seizures, cortical blindness, and microcephaly syndrome. Identifiers: Orphanet 477814, MedGen C5567650, MONDO:0014714, OMIM 616632.
Autosomal dominant nonsyndromic hearing loss 1. Also called: KONIGSMARK SYNDROME; DEAFNESS, AUTOSOMAL DOMINANT 1, WITH OR WITHOUT THROMBOCYTOPENIA. Identifiers: Orphanet 90635, MedGen C1852282, MONDO:0007424, OMIM 124900.

Submission:

Labcorp Genetics (formerly Invitae), Labcorp
Classification: Uncertain significance for Progressive microcephaly-seizures-cortical blindness-developmental delay syndrome; Autosomal dominant nonsyndromic hearing loss 1. Last evaluated: 2023-05-11. Review status: criteria provided, single submitter. Criteria: Invitae Variant Classification Sherloc (09022015). Collection method: clinical testing. Allele origin: germline.
Comment: In summary, the available evidence is currently insufficient to determine the role of this variant in disease. Therefore, it has been classified as a Variant of Uncertain Significance. Experimental studies and prediction algorithms are not available or were not evaluated, and the functional significance of this variant is currently unknown. This variant has not been reported in the literature in individuals affected with DIAPH1-related conditions. This variant is not present in population databases (gnomAD no frequency). This sequence change replaces valine, which is neutral and non-polar, with isoleucine, which is neutral and non-polar, at codon 548 of the DIAPH1 protein (p.Val548Ile).